The following is an entry in ClinVar:

NM_001378609.3(OTOGL):c.949A>G (p.Ile317Val)

Gene: OTOGL (otogelin like; plus strand). Cytogenetic location: 12q21.31.
Variant type: single nucleotide variant.
Coding change: c.949A>G on transcript NM_001378609.3 (MANE Select); coding-DNA position 949, A replaced by G.
Protein change: p.Ile317Val; replaces isoleucine 317 with valine.
Molecular consequence: missense variant.
Genome position (GRCh38, 1-based): chr12:80,239,336, A>G. VCF-style: chr12-80239336-A-G. GRCh37 (hg19) VCF-style: chr12-80633116-A-G.
Other names: c.949A>G, p.Ile317Val (NM_001368062.3, NM_001378610.3, NM_173591.7); short protein forms I317V.
Identifiers: ClinVar variation 1698338 (VCV001698338.2), dbSNP rs748705456, ClinGen allele CA6700330.

ClinVar aggregate classification (germline): Uncertain significance (1 of 4 stars; one submission).

Allele frequency attached by ClinVar (database versions not stated): gnomAD exomes below 0.00001; ExAC 0.00001.
gnomAD v4.1: 6 of 1,602,256 alleles (0.00037%); highest among the groups gnomAD compares: Non-Finnish European, 0.00034%; no homozygotes.

Submission:

GeneDx
Classification: Uncertain significance. Last evaluated: 2022-01-24. Review status: criteria provided, single submitter. Criteria: GeneDx Variant Classification Process June 2021. Collection method: clinical testing. Allele origin: germline. Affected: yes.
Comment: Not observed at significant frequency in large population cohorts (gnomAD); In silico analysis supports that this missense variant does not alter protein structure/function; In silico analysis, which includes splice predictors and evolutionary conservation, suggests this variant may impact gene splicing. In the absence of RNA/functional studies, the actual effect of this sequence change is unknown.; Has not been previously published as pathogenic or benign to our knowledge